The following is an entry in ClinVar:

NM_002742.3(PRKD1):c.2498C>A (p.Thr833Asn)

Gene: PRKD1 (protein kinase D1; minus strand). Cytogenetic location: 14q12.
Variant type: single nucleotide variant.
Coding change: c.2498C>A on transcript NM_002742.3 (MANE Select); coding-DNA position 2498, C replaced by A.
Protein change: p.Thr833Asn; replaces threonine 833 with asparagine.
Molecular consequence: missense variant.
Genome position (GRCh38, 1-based): chr14:29,578,297, G>T on the plus strand (C>A on the coding strand, the complement: PRKD1 is on the minus strand). VCF-style: chr14-29578297-G-T. GRCh37 (hg19) VCF-style: chr14-30047503-G-T.
Other names: c.2522C>A, p.Thr841Asn (NM_001330069.2); c.2234C>A, p.Thr745Asn (NM_001348390.1); short protein forms T745N, T833N, T841N.
Identifiers: ClinVar variation 2574529 (VCV002574529.1), dbSNP rs1892631424, ClinGen allele CA389331218.

ClinVar aggregate classification (germline): Uncertain significance (1 of 4 stars; one submission).

Allele frequency attached by ClinVar (database versions not stated): gnomAD 0.00001.

Submission:

GeneDx
Classification: Uncertain significance. Last evaluated: 2023-01-30. Review status: criteria provided, single submitter. Criteria: GeneDx Variant Classification Process June 2021. Collection method: clinical testing. Allele origin: germline. Affected: yes.
Comment: Not observed at significant frequency in large population cohorts (gnomAD); In silico analysis supports that this missense variant does not alter protein structure/function; Has not been previously published as pathogenic or benign to our knowledge